The following is an entry in ClinVar:

NM_006922.4(SCN3A):c.1688G>A (p.Arg563His)

Gene: SCN3A (sodium voltage-gated channel alpha subunit 3; minus strand). Cytogenetic location: 2q24.3.
Variant type: single nucleotide variant.
Coding change: c.1688G>A on transcript NM_006922.4 (MANE Select); coding-DNA position 1688, G replaced by A.
Protein change: p.Arg563His; replaces arginine 563 with histidine.
Molecular consequence: missense variant.
Genome position (GRCh38, 1-based): chr2:165,140,982, C>T on the plus strand (G>A on the coding strand, the complement: SCN3A is on the minus strand). VCF-style: chr2-165140982-C-T. GRCh37 (hg19) VCF-style: chr2-165997492-C-T.
Other names: c.1688G>A, p.Arg563His (NM_001081676.2, NM_001081677.2); short protein forms R563H.
Identifiers: ClinVar variation 859407 (VCV000859407.16), dbSNP rs752844723, ClinGen allele CA1939099.
Genomic context (GRCh38, chr2:165,140,982, plus strand): 5'-CGACCTCTGAAACTGAAAATGCTTGTTTTGCTATTGCGTCTTGGGGAAAACAGGGAGCCA[C>T]GGATACTCAAGAGAGACTGCAGAGAAAGCAAAAAGGAAAGGAATGGGATGGGGGTAGGGG-3'
Protein context (NP_008853.3, residues 553-573): CSPHQSLLSI[Arg563His]GSLFSPRRNS

ClinVar aggregate classification (germline): Conflicting classifications of pathogenicity. Review status: criteria provided, conflicting classifications (1 of 4 stars). 2 submissions from 2 submitters: Uncertain significance (1); Likely benign (1). Last evaluated 2025-12-01.

Allele frequency attached by ClinVar (database versions not stated): ExAC 0.00001; gnomAD 0.00001; gnomAD exomes 0.00001.

Submissions (2):

CeGaT Center for Human Genetics Tuebingen
Classification: Uncertain significance. Last evaluated: 2025-12-01. Review status: criteria provided, single submitter. Criteria: CeGaT Center For Human Genetics Tuebingen Variant Classification Criteria Version 2. Collection method: clinical testing. Allele origin: germline. Affected: yes. Observed: 1 variant allele.
Comment: SCN3A: PP3

Labcorp Genetics (formerly Invitae), Labcorp
Classification: Likely benign. Last evaluated: 2023-07-07. Review status: criteria provided, single submitter. Criteria: Invitae Variant Classification Sherloc (09022015). Collection method: clinical testing. Allele origin: germline.